The following is an entry in ClinVar:

NM_016335.6(PRODH):c.1771C>T (p.Arg591Ter)

Gene: PRODH (proline dehydrogenase 1; minus strand). Cytogenetic location: 22q11.21.
Variant type: single nucleotide variant.
Coding change: c.1771C>T on transcript NM_016335.6 (MANE Select); coding-DNA position 1771, C replaced by T.
Protein change: p.Arg591Ter; replaces arginine 591 with a stop codon.
Molecular consequence: nonsense.
Genome position (GRCh38, 1-based): chr22:18,913,207, G>A on the plus strand (C>T on the coding strand, the complement: PRODH is on the minus strand). VCF-style: chr22-18913207-G-A. GRCh37 (hg19) VCF-style: chr22-18900720-G-A.
Other names: c.1447C>T, p.Arg483Ter (NM_001195226.2, NM_001368250.2); short protein forms R483*, R591*.
Identifiers: ClinVar variation 3769127 (VCV003769127.2).

ClinVar aggregate classification (germline): Uncertain significance (1 of 4 stars; one submission).

gnomAD v4.1: 3 of 511,042 alleles (0.00059%); highest among the groups gnomAD compares: South Asian, 0.0037%; 1 homozygote.

Submission:

Women's Health and Genetics/Laboratory Corporation of America, LabCorp
Classification: Uncertain significance. Last evaluated: 2025-01-13. Review status: criteria provided, single submitter. Criteria: LabCorp Variant Classification Summary - May 2015. Collection method: clinical testing. Allele origin: germline.
Comment: Variant summary: PRODH c.1771C>T (p.Arg591X) results in a premature termination codon in the last exon, predicted to cause a truncation of the encoded protein, however, nonsense mediated decay is not expected to occur. The variant was absent in 156628 control chromosomes. The available data on variant occurrences in the general population are insufficient to allow any conclusion about variant significance. To our knowledge, no occurrence of c.1771C>T in individuals affected with Proline Dehydrogenase Deficiency and no experimental evidence demonstrating its impact on protein function have been reported. No submitters have cited clinical-significance assessments for this variant to ClinVar. Based on the evidence outlined above, the variant was classified as uncertain significance.